The following is an entry in ClinVar:

NM_001099403.2(PRDM8):c.1655C>T (p.Ala552Val)

Gene: PRDM8 (PR/SET domain 8; plus strand). Cytogenetic location: 4q21.21.
Variant type: single nucleotide variant.
Coding change: c.1655C>T on transcript NM_001099403.2 (MANE Select); coding-DNA position 1655, C replaced by T.
Protein change: p.Ala552Val; replaces alanine 552 with valine.
Molecular consequence: missense variant.
Genome position (GRCh38, 1-based): chr4:80,203,117, C>T. VCF-style: chr4-80203117-C-T. GRCh37 (hg19) VCF-style: chr4-81124271-C-T.
Other names: c.1655C>T, p.Ala552Val (NM_020226.4); short protein forms A552V.
Identifiers: ClinVar variation 1525267 (VCV001525267.8), dbSNP rs559909369, ClinGen allele CA357401956.

ClinVar aggregate classification (germline): Uncertain significance (1 of 4 stars; one submission).

Conditions:
Early-onset Lafora body disease. Also called: Epilepsy, progressive myoclonic, 10. Identifiers: Orphanet 324290, MedGen C4225258, MONDO:0014717, OMIM 616640.

Allele frequency attached by ClinVar (database versions not stated): gnomAD exomes below 0.00001.

Submission:

Labcorp Genetics (formerly Invitae), Labcorp
Classification: Uncertain significance for Early-onset Lafora body disease. Last evaluated: 2022-02-03. Review status: criteria provided, single submitter. Criteria: Invitae Variant Classification Sherloc (09022015). Collection method: clinical testing. Allele origin: germline.
Comment: This variant is not present in population databases (gnomAD no frequency). In summary, the available evidence is currently insufficient to determine the role of this variant in disease. Therefore, it has been classified as a Variant of Uncertain Significance. Algorithms developed to predict the effect of missense changes on protein structure and function (SIFT, PolyPhen-2, Align-GVGD) all suggest that this variant is likely to be tolerated. This variant has not been reported in the literature in individuals affected with PRDM8-related conditions. This sequence change replaces alanine, which is neutral and non-polar, with valine, which is neutral and non-polar, at codon 552 of the PRDM8 protein (p.Ala552Val).